The following is an entry in ClinVar:

ClinVar aggregate classification (germline): Uncertain significance (1 of 4 stars; one submission).

Submission:

GeneDx
Classification: Uncertain significance. Last evaluated: 2025-02-05. Review status: criteria provided, single submitter. Criteria: GeneDx Variant Classification Process June 2021. Collection method: clinical testing. Allele origin: germline. Affected: yes.
Comment: Not observed at significant frequency in large population cohorts (gnomAD); Nonsense variant predicted to result in protein truncation as the last 30 amino acids are lost, although loss-of-function variants have not been reported downstream of this position in the protein; Has not been previously published as pathogenic or benign to our knowledge

NM_001792.5(CDH2):c.2629_2630del (p.Ser876_Ser877insTer)

Genes: CDH2 (cadherin 2; minus strand), CDH2-AS1 (CDH2 antisense RNA 1; plus strand). Cytogenetic location: 18q12.1.
Variant type: Deletion.
Coding change: c.2629_2630del on transcript NM_001792.5 (MANE Select); coding-DNA positions 2629 to 2630, 2 bases deleted (AG; older notation c.2629_2630delAG).
Protein change: p.Ser876_Ser877insTer.
Molecular consequence: nonsense.
Genome position (GRCh38, 1-based): chr18:27,952,244-27,952,245, CT deleted on the plus strand (AG on the coding strand, the reverse complement: CDH2 is on the minus strand). VCF-style (leftmost placement, unchanged base first): chr18-27952243-ACT-A. GRCh37 (hg19) VCF-style: chr18-25532207-ACT-A.
Other names: c.2536_2537del, p.Ser845_Ser846insTer (NM_001308176.2).
Identifiers: ClinVar variation 4074369 (VCV004074369.1).
Genomic context (GRCh38, chr18:27,952,243, plus strand): 5'-AAGTTTCTTGAACCGTGGCCCCCAGTCGTTCAGGTAATCATAGTCCTGCTCACCACCACT[ACT>A]TGAGGAATTAAGGGAGCTCAAGGACCCAGCAGTGGAGCCACTGCCTTCATAGTCAAACAC-3'